The following is an entry in ClinVar:

ClinVar aggregate classification (germline): Uncertain significance (1 of 4 stars; one submission).

Allele frequency attached by ClinVar (database versions not stated): gnomAD exomes below 0.00001; ExAC 0.00001.

Submission:

Labcorp Genetics (formerly Invitae), Labcorp
Classification: Uncertain significance. Last evaluated: 2023-06-10. Review status: criteria provided, single submitter. Criteria: Invitae Variant Classification Sherloc (09022015). Collection method: clinical testing. Allele origin: germline.
Comment: In summary, the available evidence is currently insufficient to determine the role of this variant in disease. Therefore, it has been classified as a Variant of Uncertain Significance. Algorithms developed to predict the effect of missense changes on protein structure and function output the following: SIFT: "Not Available"; PolyPhen-2: "Benign"; Align-GVGD: "Not Available". The glycine amino acid residue is found in multiple mammalian species, which suggests that this missense change does not adversely affect protein function. This variant has not been reported in the literature in individuals affected with VCAN-related conditions. This variant is present in population databases (rs769266665, gnomAD 0.0009%). This sequence change replaces glutamic acid, which is acidic and polar, with glycine, which is neutral and non-polar, at codon 2074 of the VCAN protein (p.Glu2074Gly).

NM_004385.5(VCAN):c.6221A>G (p.Glu2074Gly)

Genes: VCAN (versican; plus strand), VCAN-AS1 (VCAN antisense RNA 1; minus strand). Cytogenetic location: 5q14.3.
Variant type: single nucleotide variant.
Coding change: c.6221A>G on transcript NM_004385.5 (MANE Select); coding-DNA position 6221, A replaced by G.
Protein change: p.Glu2074Gly; replaces glutamic acid 2074 with glycine.
Molecular consequence: missense variant. On other transcripts: intron variant (2).
Genome position (GRCh38, 1-based): chr5:83,539,224, A>G. VCF-style: chr5-83539224-A-G. GRCh37 (hg19) VCF-style: chr5-82835043-A-G.
Other names: c.3260A>G, p.Glu1087Gly (NM_001164097.2); c.4004-6313A>G (NM_001164098.2); c.1043-6313A>G (NM_001126336.3); short protein forms E1087G, E2074G.
Identifiers: ClinVar variation 2710459 (VCV002710459.3), dbSNP rs769266665, ClinGen allele CA3333458.